The following is an entry in ClinVar:

NM_020297.4(ABCC9):c.1947A>T (p.Arg649Ser)

Gene: ABCC9 (ATP binding cassette subfamily C member 9; minus strand). Cytogenetic location: 12p12.1.
Variant type: single nucleotide variant.
Coding change: c.1947A>T on transcript NM_020297.4 (MANE Select); coding-DNA position 1947, A replaced by T.
Protein change: p.Arg649Ser; replaces arginine 649 with serine.
Molecular consequence: missense variant.
Genome position (GRCh38, 1-based): chr12:21,882,838, T>A on the plus strand (A>T on the coding strand, the complement: ABCC9 is on the minus strand). VCF-style: chr12-21882838-T-A. GRCh37 (hg19) VCF-style: chr12-22035772-T-A.
Other names: c.1947A>T, p.Arg649Ser (NM_001377273.1, NM_005691.4); c.1083A>T, p.Arg361Ser (NM_001377274.1); short protein forms R361S, R649S.
Identifiers: ClinVar variation 4745810 (VCV004745810.1).

ClinVar aggregate classification (germline): Uncertain significance (1 of 4 stars; one submission).

Conditions:
Dilated cardiomyopathy 1O (CMD1O). Also called: CARDIOMYOPATHY, DILATED, WITH VENTRICULAR TACHYCARDIA. Identifiers: Orphanet 154, MedGen C1837839, MONDO:0012062, OMIM 608569.

gnomAD v4.1: 1 of 1,614,086 alleles (0.000062%); highest among the groups gnomAD compares: Non-Finnish European, 0.000085%; no homozygotes.

Submission:

Labcorp Genetics (formerly Invitae), Labcorp
Classification: Uncertain significance for Dilated cardiomyopathy 1O. Last evaluated: 2025-10-13. Review status: criteria provided, single submitter. Criteria: Invitae Variant Classification Sherloc (09022015). Collection method: clinical testing. Allele origin: germline.
Comment: This sequence change replaces arginine, which is basic and polar, with serine, which is neutral and polar, at codon 649 of the ABCC9 protein (p.Arg649Ser). This variant is not present in population databases (gnomAD no frequency). This variant has not been reported in the literature in individuals affected with ABCC9-related conditions. Invitae Evidence Modeling of protein sequence and biophysical properties (such as structural, functional, and spatial information, amino acid conservation, physicochemical variation, residue mobility, and thermodynamic stability) has been performed for this missense variant. However, the output from this modeling did not meet the statistical confidence thresholds required to predict the impact of this variant on ABCC9 protein function. In summary, the available evidence is currently insufficient to determine the role of this variant in disease. Therefore, it has been classified as a Variant of Uncertain Significance.